The following is an entry in ClinVar:

NM_001012759.3(CTU2):c.282+5G>A

Gene: CTU2 (cytosolic thiouridylase subunit 2; plus strand). Cytogenetic location: 16q24.3.
Variant type: single nucleotide variant.
Coding change: c.282+5G>A on transcript NM_001012759.3 (MANE Select); 5 bases into the intron after coding-DNA position 282, G replaced by A.
Molecular consequence: intron variant.
Genome position (GRCh38, 1-based): chr16:88,710,287, G>A. VCF-style: chr16-88710287-G-A. GRCh37 (hg19) VCF-style: chr16-88776695-G-A.
Other names: c.282+5G>A (NM_001318507.2, NM_001012762.3); c.21+5G>A (NM_001318513.2).
Identifiers: ClinVar variation 637954 (VCV000637954.3), dbSNP rs1351549465, ClinGen allele CA624449745.

ClinVar aggregate classification (germline): Pathogenic. Review status: criteria provided, multiple submitters, no conflicts (2 of 4 stars). 2 submissions from 2 submitters: Pathogenic (2). Last evaluated 2026-01-20.

Conditions:
Microcephaly, facial dysmorphism, renal agenesis, and ambiguous genitalia syndrome. Identifiers: MedGen C4748348, MONDO:0020647, OMIM 618142.

Allele frequency attached by ClinVar (database versions not stated): TOPMed 0.00001.

Submissions (2):

Dasa
Classification: Pathogenic. Last evaluated: 2026-01-20. Review status: criteria provided, single submitter. Criteria: DASA Assertion Criteria. Collection method: clinical testing. Allele origin: germline.
Comment: NM_001012759.3(CTU2):c.282+5G>A is a splice-region variant predicted to affect normal RNA splicing. This variant has been recurrently observed in individuals with related phenotype (PMID: 37644014; PMID: 31301155). The variant is present at low frequency in population datasets. Based on the available data, this variant is classified as pathogenic.

Genomic Medicine Center of Excellence, King Faisal Specialist Hospital and Research Centre
Classification: Pathogenic for Microcephaly, facial dysmorphism, renal agenesis, and ambiguous genitalia syndrome. Review status: criteria provided, single submitter. Criteria: ACMG Guidelines, 2015. Collection method: clinical testing. Allele origin: germline. Inheritance: Autosomal recessive inheritance. Affected: yes.

Literature cited by the submitters: PubMed 37644014 (cited by Dasa); PubMed 31301155 (cited by Dasa).